The following is an entry in ClinVar:

NM_004006.3(DMD):c.2380+3A>T

Gene: DMD (dystrophin; minus strand). Cytogenetic location: Xp21.1.
Variant type: single nucleotide variant.
Coding change: c.2380+3A>T on transcript NM_004006.3 (MANE Select); 3 bases into the intron after coding-DNA position 2380, A replaced by T.
Molecular consequence: intron variant.
Genome position (GRCh38, 1-based): chrX:32,501,752, T>A on the plus strand (A>T on the coding strand, the complement: DMD is on the minus strand). VCF-style: chrX-32501752-T-A. GRCh37 (hg19) VCF-style: chrX-32519869-T-A.
Other names: c.2356+3A>T (NM_000109.4); c.2368+3A>T (NM_004009.3); c.2011+3A>T (NM_004010.3); c.2380+3A>T (NM_004006.2).
Identifiers: ClinVar variation 597211 (VCV000597211.11), dbSNP rs1569564916, ClinGen allele CA913191100.

ClinVar aggregate classification (germline): Conflicting classifications of pathogenicity. Review status: criteria provided, conflicting classifications (1 of 4 stars). 3 submissions from 3 submitters: Pathogenic (1); Uncertain significance (2). Last evaluated 2024-10-05.

Conditions:
Duchenne muscular dystrophy (DMD). Also called: MUSCULAR DYSTROPHY, PSEUDOHYPERTROPHIC PROGRESSIVE, DUCHENNE TYPE; Duchenne Muscular Dystrophy (DMD). Identifiers: Orphanet 98896, MedGen C0013264, MONDO:0010679, OMIM 310200.

Submissions (3):

Labcorp Genetics (formerly Invitae), Labcorp
Classification: Pathogenic for Duchenne muscular dystrophy. Last evaluated: 2024-10-05. Review status: criteria provided, single submitter. Criteria: Invitae Variant Classification Sherloc (09022015). Collection method: clinical testing. Allele origin: germline.
Comment: This sequence change falls in intron 19 of the DMD gene. It does not directly change the encoded amino acid sequence of the DMD protein. It affects a nucleotide within the consensus splice site. This variant is not present in population databases (gnomAD no frequency). This variant has been observed in individual(s) with clinical features of Duchenne muscular dystrophy and/or Duchenne muscular dystrophy (PMID: 33644936; internal data). In at least one individual the variant was observed to be de novo. ClinVar contains an entry for this variant (Variation ID: 597211). Variants that disrupt the consensus splice site are a relatively common cause of aberrant splicing (PMID: 17576681, 9536098). Algorithms developed to predict the effect of sequence changes on RNA splicing suggest that this variant may disrupt the consensus splice site. For these reasons, this variant has been classified as Pathogenic.

Revvity Omics, Revvity
Classification: Uncertain significance. Last evaluated: 2019-10-14. Review status: criteria provided, single submitter. Criteria: ACMG Guidelines, 2015. Collection method: clinical testing. Allele origin: germline.

Eurofins Ntd Llc (ga)
Classification: Uncertain significance. Last evaluated: 2018-05-23. Review status: criteria provided, single submitter. Criteria: EGL ClinVar v180209 classification definitions. Collection method: clinical testing. Allele origin: germline. Observed: 1 variant allele, 1 hemizygote.

Literature cited by the submitters: PubMed 33644936 (cited by Labcorp Genetics (formerly Invitae), Labcorp); PubMed 17576681 (cited by Labcorp Genetics (formerly Invitae), Labcorp); PubMed 9536098 (cited by Labcorp Genetics (formerly Invitae), Labcorp).